The following is an entry in ClinVar:

NM_001130004.2(ACTN1):c.221-3C>A

Gene: ACTN1 (actinin alpha 1; minus strand). Cytogenetic location: 14q24.1.
Variant type: single nucleotide variant.
Coding change: c.221-3C>A on transcript NM_001130004.2 (MANE Select); 3 bases into the intron before coding-DNA position 221, C replaced by A.
Molecular consequence: intron variant.
Genome position (GRCh38, 1-based): chr14:68,921,128, G>T on the plus strand (C>A on the coding strand, the complement: ACTN1 is on the minus strand). VCF-style: chr14-68921128-G-T. GRCh37 (hg19) VCF-style: chr14-69387845-G-T.
Other names: c.221-3C>A (NM_001424029.1, NM_001424027.1, NM_001424025.1 and 9 more transcripts); c.-690-3C>A (NM_001424030.1); c.347-3C>A (NM_001424013.1); c.158-3C>A (NM_001424022.1, NM_001424020.1, NM_001424018.1); c.26-3C>A (NM_001424026.1, NM_001424028.1, NM_001411036.1); c.152-3C>A (NM_001424021.1); c.218-3C>A (NM_001424017.1); c.308-3C>A (NM_001424015.1).
Identifiers: ClinVar variation 4719753 (VCV004719753.1).
Genomic context (GRCh38, chr14:68,921,128, plus strand): 5'-ACGTTGGAGATCTTGTGCACTCTCATCTTGCCTCGCTCTGGCTTGGCCAAGCGTTCACCT[G>T]TTTGGATCAAGAGGGAGGAAGAGGAAGGTGAGACGCTATGAGCCAGGGGCCAGAGCTACT-3'

ClinVar aggregate classification (germline): Uncertain significance (1 of 4 stars; one submission).

Submission:

Labcorp Genetics (formerly Invitae), Labcorp
Classification: Uncertain significance. Last evaluated: 2025-08-15. Review status: criteria provided, single submitter. Criteria: Invitae Variant Classification Sherloc (09022015). Collection method: clinical testing. Allele origin: germline.
Comment: This sequence change falls in intron 2 of the ACTN1 gene. It does not directly change the encoded amino acid sequence of the ACTN1 protein. It affects a nucleotide within the consensus splice site. This variant is not present in population databases (gnomAD no frequency). This variant has not been reported in the literature in individuals affected with ACTN1-related conditions. Variants that disrupt the consensus splice site are a relatively common cause of aberrant splicing (PMID: 17576681, 9536098). Algorithms developed to predict the effect of sequence changes on RNA splicing suggest that this variant is not likely to affect RNA splicing. In summary, the available evidence is currently insufficient to determine the role of this variant in disease. Therefore, it has been classified as a Variant of Uncertain Significance.

Literature cited by the submitters: PubMed 17576681; PubMed 9536098.